The following is an entry in ClinVar:

NM_003718.5(CDK13):c.227C>T (p.Ala76Val)

Genes: CDK13 (cyclin dependent kinase 13; plus strand), LOC129998292 (ATAC-STARR-seq lymphoblastoid silent region 18115; plus strand). Cytogenetic location: 7p14.1.
Variant type: single nucleotide variant.
Coding change: c.227C>T on transcript NM_003718.5 (MANE Select); coding-DNA position 227, C replaced by T.
Protein change: p.Ala76Val; replaces alanine 76 with valine.
Molecular consequence: missense variant.
Genome position (GRCh38, 1-based): chr7:39,950,868, C>T. VCF-style: chr7-39950868-C-T. GRCh37 (hg19) VCF-style: chr7-39990467-C-T.
Other names: c.227C>T, p.Ala76Val (NM_031267.4); short protein forms A76V.
Identifiers: ClinVar variation 2110757 (VCV002110757.5), dbSNP rs900164978, ClinGen allele CA157707132.
Genomic context (GRCh38, chr7:39,950,868, plus strand): 5'-CGCCTCTGCTCTTCCTGGCTGCTCCCGGCACGGCCGCCGCCGCAGCCGCCGCCGCCGCGG[C>T]CTCCTCCTCTTGCTTCAGCCCGGGCCCCCCTCTGGAGGTCAAGCGGCTGGCGAGAGGCAA-3'
Protein context (NP_003709.3, residues 66-86): TAAAAAAAAA[Ala76Val]SSSCFSPGPP

ClinVar aggregate classification (germline): Conflicting classifications of pathogenicity. Review status: criteria provided, conflicting classifications (1 of 4 stars). 2 submissions from 2 submitters: Uncertain significance (1); Likely benign (1). Last evaluated 2025-04-07.

Allele frequency attached by ClinVar (database versions not stated): gnomAD exomes 0.00001; gnomAD 0.00003; TOPMed 0.00006.
gnomAD v4.1: 17 of 1,368,754 alleles (0.0012%); highest among the groups gnomAD compares: African/African-American, 0.0077%; no homozygotes.

Submissions (2):

Labcorp Genetics (formerly Invitae), Labcorp
Classification: Uncertain significance. Last evaluated: 2025-04-07. Review status: criteria provided, single submitter. Criteria: Invitae Variant Classification Sherloc (09022015). Collection method: clinical testing. Allele origin: germline.
Comment: This sequence change replaces alanine, which is neutral and non-polar, with valine, which is neutral and non-polar, at codon 76 of the CDK13 protein (p.Ala76Val). This variant is not present in population databases (gnomAD no frequency). This variant has not been reported in the literature in individuals affected with CDK13-related conditions. ClinVar contains an entry for this variant (Variation ID: 2110757). Invitae Evidence Modeling of protein sequence and biophysical properties (such as structural, functional, and spatial information, amino acid conservation, physicochemical variation, residue mobility, and thermodynamic stability) indicates that this missense variant is not expected to disrupt CDK13 protein function with a negative predictive value of 95%. In summary, the available evidence is currently insufficient to determine the role of this variant in disease. Therefore, it has been classified as a Variant of Uncertain Significance.

Laboratory of Genetics, Children's Clinical University Hospital Latvia
Classification: Likely benign. Last evaluated: 2025-02-16. Review status: criteria provided, single submitter. Criteria: ACMG Guidelines, 2015. Collection method: clinical testing. Allele origin: germline. Affected: yes.